The following is an entry in ClinVar:

ClinVar aggregate classification (germline): Benign/Likely benign. Review status: criteria provided, multiple submitters, no conflicts (2 of 4 stars). 6 submissions from 6 submitters: Benign (5); Likely benign (1). Last evaluated 2025-04-09.

Conditions:
GNB5-related disorder. Also called: GNB5-related disorders; GNB5-related condition.

Allele frequency attached by ClinVar (database versions not stated): gnomAD exomes 0.00099 and 0.00256; ExAC 0.00336; ESP Exome Variant Server 0.00948; gnomAD 0.01003 and 0.01052; TOPMed 0.01172; 1000 Genomes Project 0.01378; 1000 Genomes Project 30x 0.01437.
gnomAD v4.1: 3,027 of 1,612,152 alleles (0.19%); highest among the groups gnomAD compares: African/African-American, 3.5%; 51 homozygotes.

Submissions (15):

Molecular Diagnostic Laboratory for Inherited Cardiovascular Disease, Montreal Heart Institute
Classification: Benign. Last evaluated: 2025-04-09. Review status: criteria provided, single submitter. Criteria: ACMG Guidelines, 2015. Collection method: clinical testing. Allele origin: germline. Affected: no.

PreventionGenetics, part of Exact Sciences
Classification: Likely benign for GNB5-related condition. Last evaluated: 2025-01-17. Review status: criteria provided, single submitter. Criteria: ACMG Guidelines, 2015. Collection method: clinical testing. Allele origin: germline.
Comment: This variant is classified as likely benign based on ACMG/AMP sequence variant interpretation guidelines (Richards et al. 2015 PMID: 25741868, with internal and published modifications).

Mayo Clinic Laboratories, Mayo Clinic
Classification: Benign. Last evaluated: 2024-07-31. Review status: criteria provided, single submitter. Criteria: ACMG Guidelines, 2015. Collection method: clinical testing. Allele origin: germline. Observed: 5 variant alleles.
Comment: BS1, BS2, BP4

Labcorp Genetics (formerly Invitae), Labcorp
Classification: Benign. Last evaluated: 2019-12-31. Review status: criteria provided, single submitter. Criteria: Invitae Variant Classification Sherloc (09022015). Collection method: clinical testing. Allele origin: germline.

GeneDx
Classification: Benign. Last evaluated: 2018-10-30. Review status: criteria provided, single submitter. Criteria: GeneDx Variant Classification Process June 2021. Collection method: clinical testing. Allele origin: germline. Affected: yes.

Breakthrough Genomics
Classification: Benign. Review status: criteria provided, single submitter. Criteria: ACMG Guidelines, 2015. Collection method: not provided. Allele origin: germline. Inheritance: Autosomal recessive inheritance. Affected: yes.

Dr. Peter K. Rogan Lab, Western University
No classification provided (evidence only). Condition: Clear cell carcinoma of kidney. Review status: no classification provided. Collection method: in vitro. Allele origin: not applicable. Functional consequence: skipped exon. Not counted in ClinVar's aggregate classification.

Dr. Peter K. Rogan Lab, Western University
No classification provided (evidence only). Condition: Clear cell carcinoma of kidney. Review status: no classification provided. Collection method: in vitro. Allele origin: not applicable. Functional consequence: skipped exon. Not counted in ClinVar's aggregate classification.

Dr. Peter K. Rogan Lab, Western University
No classification provided (evidence only). Condition: Lung cancer. Review status: no classification provided. Collection method: in vitro. Allele origin: not applicable. Functional consequence: skipped exon. Not counted in ClinVar's aggregate classification.

Dr. Peter K. Rogan Lab, Western University
No classification provided (evidence only). Condition: Lung cancer. Review status: no classification provided. Collection method: in vitro. Allele origin: not applicable. Functional consequence: skipped exon. Not counted in ClinVar's aggregate classification.

Dr. Peter K. Rogan Lab, Western University
No classification provided (evidence only). Condition: Lung cancer. Review status: no classification provided. Collection method: in vitro. Allele origin: not applicable. Functional consequence: retained intron. Not counted in ClinVar's aggregate classification.

Dr. Peter K. Rogan Lab, Western University
No classification provided (evidence only). Condition: Uterine corpus endometrial carcinoma. Review status: no classification provided. Collection method: in vitro. Allele origin: not applicable. Functional consequence: skipped exon. Not counted in ClinVar's aggregate classification.

Dr. Peter K. Rogan Lab, Western University
No classification provided (evidence only). Condition: Sarcoma. Review status: no classification provided. Collection method: in vitro. Allele origin: not applicable. Functional consequence: retained intron. Not counted in ClinVar's aggregate classification.

Dr. Peter K. Rogan Lab, Western University
No classification provided (evidence only). Condition: Ovarian serous cystadenocarcinoma. Review status: no classification provided. Collection method: in vitro. Allele origin: not applicable. Functional consequence: retained intron. Not counted in ClinVar's aggregate classification.

Dr. Peter K. Rogan Lab, Western University
No classification provided (evidence only). Condition: Ovarian serous cystadenocarcinoma. Review status: no classification provided. Collection method: in vitro. Allele origin: not applicable. Functional consequence: retained intron. Not counted in ClinVar's aggregate classification.

NM_016194.4(GNB5):c.638C>T (p.Ala213Val)

Gene: GNB5 (G protein subunit beta 5; minus strand). Cytogenetic location: 15q21.2.
Variant type: single nucleotide variant.
Coding change: c.638C>T on transcript NM_016194.4 (MANE Select); coding-DNA position 638, C replaced by T.
Protein change: p.Ala213Val; replaces alanine 213 with valine.
Molecular consequence: missense variant.
Genome position (GRCh38, 1-based): chr15:52,135,746, G>A on the plus strand (C>T on the coding strand, the complement: GNB5 is on the minus strand). VCF-style: chr15-52135746-G-A. GRCh37 (hg19) VCF-style: chr15-52427943-G-A.
Other names: NC_000015.9:g.52427943G>A; p.Ala213Val; c.512C>T, p.Ala171Val (NM_006578.4); short protein forms A171V, A213V.
Identifiers: ClinVar variation 769882 (VCV000769882.11), dbSNP rs34637551, ClinGen allele CA7565695.
Genomic context (GRCh38, chr15:52,135,746, plus strand): 5'-AAGCTCTGCAGCAGCTGCCCGCTCTCCACGTCCCACAGGGCACATGTGCCATCGCCGCTC[G>A]CTGTCAGGATCTGCCCGCAGAAAAGGACAGGAAGTGGGTGGTTGTGGTTATTGCTTATGC-3'
Protein context (NP_057278.2, residues 203-223): FTNSDMQILT[Ala213Val]SGDGTCALWD